The following is an entry in ClinVar:

NM_003126.4(SPTA1):c.-58CT[16]

Gene: SPTA1 (spectrin alpha, erythrocytic 1; minus strand). Cytogenetic location: 1q23.1.
Variant type: Microsatellite.
Coding change: c.-58CT[16] on transcript NM_003126.4 (MANE Select); 16 copies in a row of the 2-base unit CT starting at c.-58; the reference has nine copies in a row; seven copies, 14 bases duplicated.
Molecular consequence: 5 prime UTR variant.
Genome position (GRCh38, 1-based): chr1:158,686,558-158,686,571, AGAGAGAGAGAGAG duplicated on the plus strand (CTCTCTCTCTCTCT on the coding strand, the reverse complement: SPTA1 is on the minus strand); duplicating any 14 consecutive bases within chr1:158,686,558-158,686,576 gives the same sequence; the position shown is the placement nearest the transcript's 3' end. VCF-style (leftmost placement, unchanged base first): chr1-158686557-C-CAGAGAGAGAGAGAG. GRCh37 (hg19) VCF-style: chr1-158656347-C-CAGAGAGAGAGAGAG.
Other names: p.?; c.-54_-41dup (NM_003126.4).
Identifiers: ClinVar variation 293064 (VCV000293064.6), dbSNP rs111674514, ClinGen allele CA1184314.

ClinVar aggregate classification (germline): Likely benign (1 of 4 stars; one submission).

Submission:

Mayo Clinic Laboratories, Mayo Clinic
Classification: Likely benign. Last evaluated: 2025-06-24. Review status: criteria provided, single submitter. Criteria: ACMG Guidelines, 2015. Collection method: clinical testing. Allele origin: germline. Observed: 1 variant allele.
Comment: BP4, BP7, PM2_supporting